The following is an entry in ClinVar:

NM_001394998.1(TANC2):c.5074G>T (p.Ala1692Ser)

Gene: TANC2 (tetratricopeptide repeat, ankyrin repeat and coiled-coil containing 2; plus strand). Cytogenetic location: 17q23.3.
Variant type: single nucleotide variant.
Coding change: c.5074G>T on transcript NM_001394998.1 (MANE Select); coding-DNA position 5074, G replaced by T.
Protein change: p.Ala1692Ser; replaces alanine 1692 with serine.
Molecular consequence: missense variant.
Genome position (GRCh38, 1-based): chr17:63,420,804, G>T. VCF-style: chr17-63420804-G-T. GRCh37 (hg19) VCF-style: chr17-61498165-G-T.
Other names: c.4852G>T, p.Ala1618Ser (NM_001411076.1); c.4822G>T, p.Ala1608Ser (NM_025185.4); short protein forms A1608S, A1618S, A1692S.
Identifiers: ClinVar variation 4747799 (VCV004747799.1).

ClinVar aggregate classification (germline): Uncertain significance (1 of 4 stars; one submission).

gnomAD v4.1: 1 of 1,613,986 alleles (0.000062%); highest among the groups gnomAD compares: Non-Finnish European, 0.000085%; no homozygotes.

Submission:

Labcorp Genetics (formerly Invitae), Labcorp
Classification: Uncertain significance. Last evaluated: 2025-10-06. Review status: criteria provided, single submitter. Criteria: Invitae Variant Classification Sherloc (09022015). Collection method: clinical testing. Allele origin: germline.
Comment: This sequence change replaces alanine, which is neutral and non-polar, with serine, which is neutral and polar, at codon 1608 of the TANC2 protein (p.Ala1608Ser). This variant is present in population databases (no rsID available, gnomAD 0.0009%). This variant has not been reported in the literature in individuals affected with TANC2-related conditions. An algorithm developed to predict the effect of missense changes on protein structure and function (PolyPhen-2) suggests that this variant is likely to be tolerated. In summary, the available evidence is currently insufficient to determine the role of this variant in disease. Therefore, it has been classified as a Variant of Uncertain Significance.